The following is an entry in ClinVar:

NM_178859.4(SLC51B):c.13G>A (p.Glu5Lys)

Genes: RASL12 (RAS like family 12; minus strand), SLC51B (SLC51 subunit beta; plus strand). Cytogenetic location: 15q22.31.
Variant type: single nucleotide variant.
Coding change: c.13G>A on transcript NM_178859.4 (MANE Select); coding-DNA position 13, G replaced by A.
Protein change: p.Glu5Lys; replaces glutamic acid 5 with lysine.
Molecular consequence: missense variant.
Genome position (GRCh38, 1-based): chr15:65,050,017, G>A. VCF-style: chr15-65050017-G-A. GRCh37 (hg19) VCF-style: chr15-65342355-G-A.
Other names: short protein forms E5K.
Identifiers: ClinVar variation 2818506 (VCV002818506.3), dbSNP rs2506182860, ClinGen allele CA392870385.

ClinVar aggregate classification (germline): Uncertain significance (1 of 4 stars; one submission).

Submission:

Labcorp Genetics (formerly Invitae), Labcorp
Classification: Uncertain significance. Last evaluated: 2024-08-13. Review status: criteria provided, single submitter. Criteria: Invitae Variant Classification Sherloc (09022015). Collection method: clinical testing. Allele origin: germline.
Comment: This sequence change replaces glutamic acid, which is acidic and polar, with lysine, which is basic and polar, at codon 5 of the SLC51B protein (p.Glu5Lys). This variant is not present in population databases (gnomAD no frequency). This variant has not been reported in the literature in individuals affected with SLC51B-related conditions. An algorithm developed to predict the effect of missense changes on protein structure and function outputs the following: PolyPhen-2: "Benign". The lysine amino acid residue is found in multiple mammalian species, which suggests that this missense change does not adversely affect protein function. In summary, the available evidence is currently insufficient to determine the role of this variant in disease. Therefore, it has been classified as a Variant of Uncertain Significance.